The following is an entry in ClinVar:

NM_001170629.2(CHD8):c.5372G>T (p.Arg1791Leu)

Gene: CHD8 (chromodomain helicase DNA binding protein 8; minus strand). Cytogenetic location: 14q11.2.
Variant type: single nucleotide variant.
Coding change: c.5372G>T on transcript NM_001170629.2 (MANE Select); coding-DNA position 5372, G replaced by T.
Protein change: p.Arg1791Leu; replaces arginine 1791 with leucine.
Molecular consequence: missense variant.
Genome position (GRCh38, 1-based): chr14:21,394,930, C>A on the plus strand (G>T on the coding strand, the complement: CHD8 is on the minus strand). VCF-style: chr14-21394930-C-A. GRCh37 (hg19) VCF-style: chr14-21863089-C-A.
Other names: c.4535G>T, p.Arg1512Leu (NM_020920.4); short protein forms R1512L, R1791L.
Identifiers: ClinVar variation 1806811 (VCV001806811.1), dbSNP rs370298280, ClinGen allele CA388883862.
Genomic context (GRCh38, chr14:21,394,930, plus strand): 5'-ACTGAAAACACAGATCAGCACAAGTTCCCAGCTATATTTTACCGTTGTTGTTTCTCCCGC[C>A]GTGCAATTTCTTTCAGCTTGAAGGCTGCTTCACAACGCCGCCTTCGCCGGTCCCCACGTT-3'
Protein context (NP_001164100.1, residues 1781-1801): EAAFKLKEIA[Arg1791Leu]REKQQRWTRR

ClinVar aggregate classification (germline): Uncertain significance (1 of 4 stars; one submission).

Submission:

GeneDx
Classification: Uncertain significance. Last evaluated: 2022-06-21. Review status: criteria provided, single submitter. Criteria: GeneDx Variant Classification Process June 2021. Collection method: clinical testing. Allele origin: germline. Affected: yes.
Comment: Not observed at significant frequency in large population cohorts (gnomAD); In silico analysis supports that this missense variant has a deleterious effect on protein structure/function; Has not been previously published as pathogenic or benign to our knowledge